The following is an entry in ClinVar:

ClinVar aggregate classification (germline): Likely benign (0 of 4 stars; one submission).

Conditions:
MASTL-related disorder. Also called: MASTL-related condition.

Allele frequency attached by ClinVar (database versions not stated): gnomAD exomes below 0.00001; ExAC 0.00001; TOPMed 0.00003; ESP Exome Variant Server 0.00015.
gnomAD v4.1: 4 of 1,614,116 alleles (0.00025%); highest among the groups gnomAD compares: South Asian, 0.0011%; no homozygotes.

Submission:

PreventionGenetics, part of Exact Sciences
Classification: Likely benign for MASTL-related condition. Last evaluated: 2020-10-22. Review status: no assertion criteria provided. Collection method: clinical testing. Allele origin: germline.
Comment: This variant is classified as likely benign based on ACMG/AMP sequence variant interpretation guidelines (Richards et al. 2015 PMID: 25741868, with internal and published modifications).

NM_001172303.3(MASTL):c.294T>C (p.Tyr98=)

Gene: MASTL (microtubule associated serine/threonine kinase like; plus strand). Cytogenetic location: 10p12.1.
Variant type: single nucleotide variant.
Coding change: c.294T>C on transcript NM_001172303.3 (MANE Select); coding-DNA position 294, T replaced by C.
Protein change: p.Tyr98=; no amino-acid change (tyrosine 98 retained).
Molecular consequence: synonymous variant. On other transcripts: 5 prime UTR variant (2), non-coding transcript variant (1).
Genome position (GRCh38, 1-based): chr10:27,158,656, T>C. VCF-style: chr10-27158656-T-C. GRCh37 (hg19) VCF-style: chr10-27447585-T-C.
Other names: c.294T>C, p.Tyr98= (NM_001172304.3, NM_001320756.2, NM_001320757.2 and 1 more transcripts); c.-310T>C (NM_001372029.1, NM_001372030.1).
Identifiers: ClinVar variation 3032533 (VCV003032533.2), dbSNP rs142221261, ClinGen allele CA5449936.